The following is an entry in ClinVar:

ClinVar aggregate classification (germline): Uncertain significance. Review status: criteria provided, multiple submitters, no conflicts (2 of 4 stars). 2 submissions from 2 submitters: Uncertain significance (2). Last evaluated 2024-09-06.

Conditions:
Fanconi anemia complementation group D2. Also called: FANCD2-Related Fanconi Anemia; FANCONI PANCYTOPENIA, TYPE 4; FANCONI ANEMIA, COMPLEMENTATION GROUP D. Identifiers: Orphanet 84, MedGen C3160738, MONDO:0009214, OMIM 227646.
Fanconi anemia (FA). Also called: Fanconi's anemia. Identifiers: Orphanet 84, MedGen C0015625, MeSH D005199, MONDO:0019391.

gnomAD v4.1: 7 of 1,612,274 alleles (0.00043%); highest among the groups gnomAD compares: African/African-American, 0.008%; no homozygotes.

Submissions (2):

Labcorp Genetics (formerly Invitae), Labcorp
Classification: Uncertain significance for Fanconi anemia. Last evaluated: 2024-09-06. Review status: criteria provided, single submitter. Criteria: Invitae Variant Classification Sherloc (09022015). Collection method: clinical testing. Allele origin: germline.
Comment: This sequence change replaces aspartic acid, which is acidic and polar, with valine, which is neutral and non-polar, at codon 188 of the FANCD2 protein (p.Asp188Val). This variant is present in population databases (rs368501428, gnomAD 0.007%). This variant has not been reported in the literature in individuals affected with FANCD2-related conditions. Invitae Evidence Modeling of protein sequence and biophysical properties (such as structural, functional, and spatial information, amino acid conservation, physicochemical variation, residue mobility, and thermodynamic stability) indicates that this missense variant is expected to disrupt FANCD2 protein function with a positive predictive value of 80%. In summary, the available evidence is currently insufficient to determine the role of this variant in disease. Therefore, it has been classified as a Variant of Uncertain Significance.

Fulgent Genetics
Classification: Uncertain significance for Fanconi anemia complementation group D2. Last evaluated: 2024-05-07. Review status: criteria provided, single submitter. Criteria: ACMG Guidelines, 2015. Collection method: clinical testing. Allele origin: germline.

NM_001018115.3(FANCD2):c.563A>T (p.Asp188Val)

Genes: FANCD2 (FA complementation group D2; plus strand), LOC107303338 (3p25 FANCD2 Alu-mediated recombination region; plus strand). Cytogenetic location: 3p25.3.
Variant type: single nucleotide variant.
Coding change: c.563A>T on transcript NM_001018115.3 (MANE Select); coding-DNA position 563, A replaced by T.
Protein change: p.Asp188Val; replaces aspartic acid 188 with valine.
Molecular consequence: missense variant.
Genome position (GRCh38, 1-based): chr3:10,039,350, A>T. VCF-style: chr3-10039350-A-T. GRCh37 (hg19) VCF-style: chr3-10081034-A-T.
Other names: c.563A>T, p.Asp188Val (NM_001319984.2, NM_001374253.1, NM_001374254.1 and 2 more transcripts); c.563A>T (NM_033084.4); short protein forms D188V.
Identifiers: ClinVar variation 3588156 (VCV003588156.3).